The following is an entry in ClinVar:

ClinVar aggregate classification (germline): Uncertain significance (1 of 4 stars; one submission).

Conditions:
Ectodermal dysplasia 10A, hypohidrotic/hair/nail type, autosomal dominant (ECTD10A). Also called: Ectodermal Dysplasia 3, Anhidrotic. Identifiers: Orphanet 1810, Orphanet 238468, MedGen C3888065, MONDO:0007509, OMIM 129490.
Autosomal recessive hypohidrotic ectodermal dysplasia syndrome. Also called: Autosomal recessive hypohidrotic ectodermal dysplasia. Identifiers: Orphanet 248, MedGen C0406702, MONDO:0016619.

gnomAD v4.1: 8 of 1,602,992 alleles (0.0005%); highest among the groups gnomAD compares: Admixed American, 0.013%; no homozygotes.

Submission:

Labcorp Genetics (formerly Invitae), Labcorp
Classification: Uncertain significance for Ectodermal dysplasia 10A, hypohidrotic/hair/nail type, autosomal dominant; Autosomal recessive hypohidrotic ectodermal dysplasia syndrome. Last evaluated: 2024-04-16. Review status: criteria provided, single submitter. Criteria: Invitae Variant Classification Sherloc (09022015). Collection method: clinical testing. Allele origin: germline.
Comment: This sequence change falls in intron 8 of the EDAR gene. It does not directly change the encoded amino acid sequence of the EDAR protein. This variant is present in population databases (no rsID available, gnomAD 0.02%). This variant has not been reported in the literature in individuals affected with EDAR-related conditions. Algorithms developed to predict the effect of sequence changes on RNA splicing suggest that this variant may disrupt the consensus splice site. In summary, the available evidence is currently insufficient to determine the role of this variant in disease. Therefore, it has been classified as a Variant of Uncertain Significance.

NM_022336.4(EDAR):c.731-20A>G

Genes: EDAR (ectodysplasin A receptor; minus strand), RANBP2 (RAN binding protein 2; plus strand). Cytogenetic location: 2q13.
Variant type: single nucleotide variant.
Coding change: c.731-20A>G on transcript NM_022336.4 (MANE Select); 20 bases into the intron before coding-DNA position 731, A replaced by G.
Molecular consequence: intron variant.
Genome position (GRCh38, 1-based): chr2:108,910,552, T>C on the plus strand (A>G on the coding strand, the complement: EDAR is on the minus strand). VCF-style: chr2-108910552-T-C. GRCh37 (hg19) VCF-style: chr2-109527008-T-C.
Identifiers: ClinVar variation 2951719 (VCV002951719.3), dbSNP rs1057271925, ClinGen allele CA53475783.